The following is an entry in ClinVar:

NM_000548.5(TSC2):c.4839C>T (p.Asp1613=)

Gene: TSC2 (TSC complex subunit 2; plus strand). Cytogenetic location: 16p13.3.
Variant type: single nucleotide variant.
Coding change: c.4839C>T on transcript NM_000548.5 (MANE Select); coding-DNA position 4839, C replaced by T.
Protein change: p.Asp1613=; no amino-acid change (aspartic acid 1613 retained).
Molecular consequence: synonymous variant.
Genome position (GRCh38, 1-based): chr16:2,086,369, C>T. VCF-style: chr16-2086369-C-T. GRCh37 (hg19) VCF-style: chr16-2136370-C-T.
Other names: c.4638C>T, p.Asp1546= (NM_001077183.3); c.4770C>T, p.Asp1590= (NM_001114382.3); c.4530C>T, p.Asp1510= (NM_001318827.2); c.4494C>T, p.Asp1498= (NM_001318829.2); c.4107C>T, p.Asp1369= (NM_001318831.2); c.4671C>T, p.Asp1557= (NM_001318832.2); c.4641C>T, p.Asp1547= (NM_001363528.2); c.4707C>T, p.Asp1569= (NM_001370404.1); and 1 more.
Identifiers: ClinVar variation 233815 (VCV000233815.17), dbSNP rs876660657, ClinGen allele CA10579906.
Genomic context (GRCh38, chr16:2,086,369, plus strand): 5'-CCTGGGAGGCCTGGACGTGTGTGGTGAGGACGGCCAGTTCACCTACTGCTGGCACGATGA[C>T]ATCATGCAAGGTACGGCCTGGCGCCTACCCGCTCCTGCTGCCCCAGGCCTCAGGGCACGG-3'
Protein context (NP_000539.2, residues 1603-1623): DGQFTYCWHD[Asp1613=]IMQAVFHIAT

ClinVar aggregate classification (germline): Benign/Likely benign. Review status: criteria provided, multiple submitters, no conflicts (2 of 4 stars). 4 submissions from 4 submitters: Benign (2); Likely benign (2). Last evaluated 2025-06-05.

Conditions:
Hereditary cancer-predisposing syndrome. Also called: Tumor predisposition; Hereditary Cancer Syndrome; Hereditary neoplastic syndrome; Neoplastic Syndromes, Hereditary. Identifiers: Orphanet 140162, MedGen C0027672, MeSH D009386, MONDO:0015356.
Tuberous sclerosis 2 (TSC2). Identifiers: Orphanet 805, MedGen C1860707, MONDO:0013199, OMIM 613254.

Allele frequency attached by ClinVar (database versions not stated): gnomAD exomes below 0.00001; gnomAD 0.00001; TOPMed 0.00001.
gnomAD v4.1: 6 of 1,612,598 alleles (0.00037%); highest among the groups gnomAD compares: Admixed American, 0.0017%; no homozygotes.

Submissions (4):

Myriad Genetics, Inc.
Classification: Benign for Tuberous sclerosis 2. Last evaluated: 2025-06-05. Review status: criteria provided, single submitter. Criteria: Myriad Autosomal Dominant, Autosomal Recessive and X-Linked Classification Criteria (2023). Collection method: clinical testing. Allele origin: unknown.
Comment: This variant is considered benign. This variant is a silent/synonymous amino acid change and it is not expected to impact splicing.

Ambry Genetics
Classification: Likely benign for Hereditary cancer-predisposing syndrome. Last evaluated: 2024-12-23. Review status: criteria provided, single submitter. Criteria: Ambry Variant Classification Scheme 2023. Collection method: clinical testing. Allele origin: germline.

Labcorp Genetics (formerly Invitae), Labcorp
Classification: Likely benign for Tuberous sclerosis 2. Last evaluated: 2024-10-21. Review status: criteria provided, single submitter. Criteria: Invitae Variant Classification Sherloc (09022015). Collection method: clinical testing. Allele origin: germline.

Genome-Nilou Lab
Classification: Benign for Tuberous sclerosis 2. Last evaluated: 2021-11-07. Review status: criteria provided, single submitter. Criteria: ACMG Guidelines, 2015. Collection method: clinical testing. Allele origin: germline. Affected: no.